The following is an entry in ClinVar:

NM_001134363.3(RBM20):c.2839C>A (p.Leu947Met)

Gene: RBM20 (RNA binding motif protein 20; plus strand). Cytogenetic location: 10q25.2.
Variant type: single nucleotide variant.
Coding change: c.2839C>A on transcript NM_001134363.3 (MANE Select); coding-DNA position 2839, C replaced by A.
Protein change: p.Leu947Met; replaces leucine 947 with methionine.
Molecular consequence: missense variant.
Genome position (GRCh38, 1-based): chr10:110,821,458, C>A. VCF-style: chr10-110821458-C-A. GRCh37 (hg19) VCF-style: chr10-112581216-C-A.
Other names: short protein forms L947M.
Identifiers: ClinVar variation 4863078 (VCV004863078.1).

ClinVar aggregate classification (germline): Uncertain significance (1 of 4 stars; one submission).

Conditions:
Cardiovascular phenotype. Identifiers: MedGen CN230736.

gnomAD v4.1: 2 of 1,551,702 alleles (0.00013%); highest among the groups gnomAD compares: African/African-American, 0.0027%; no homozygotes.

Submission:

Ambry Genetics
Classification: Uncertain significance for Cardiovascular phenotype. Last evaluated: 2026-06-09. Review status: criteria provided, single submitter. Criteria: Ambry Variant Classification Scheme 2023. Collection method: clinical testing. Allele origin: germline.
Comment: The p.L947M variant (also known as c.2839C>A), located in coding exon 11 of the RBM20 gene, results from a C to A substitution at nucleotide position 2839. The leucine at codon 947 is replaced by methionine, an amino acid with highly similar properties. This amino acid position is conserved. In addition, this alteration is predicted to be tolerated by in silico analysis. Based on the available evidence, the clinical significance of this variant remains unclear.